The following is an entry in ClinVar:

ClinVar aggregate classification (germline): Pathogenic/Likely pathogenic. Review status: criteria provided, multiple submitters, no conflicts (2 of 4 stars). 4 submissions from 4 submitters: Pathogenic (3); Likely pathogenic (1). Last evaluated 2026-04-13.

Conditions:
Charcot-Marie-Tooth disease axonal type 2O. Also called: CHARCOT-MARIE-TOOTH NEUROPATHY, AXONAL, TYPE 2O; CHARCOT-MARIE-TOOTH DISEASE, AXONAL, AUTOSOMAL DOMINANT, TYPE 2O; Charcot-Marie-Tooth Neuropathy Type 2O; Charcot-Marie-Tooth disease, axonal, type 20. Identifiers: Orphanet 284232, MedGen C3280220, MONDO:0013644, OMIM 614228.
Cortical dysplasia, complex, with other brain malformations 13. Also called: Intellectual disability, autosomal dominant 13. Identifiers: MedGen C3281202, MONDO:0013805, OMIM 614563.
DYNC1H1-related disorder. Also called: DYNC1H1-related condition; DYNC1H1-related disorders. Identifiers: MedGen CN381529.

Submissions (4):

MVZ Medizinische Genetik Mainz
Classification: Pathogenic for Cortical dysplasia, complex, with other brain malformations 13. Last evaluated: 2026-04-13. Review status: criteria provided, single submitter. Criteria: UK Practice Guidelines For Variant Classification V4 01 2020. Collection method: clinical testing. Allele origin: germline. Inheritance: Autosomal dominant inheritance. Observed: 1 variant allele.
Comment: ACMG Criteria: PS4_MOD,PM1,PM5,PP3_MOD,PS2_SUP,PM2_SUP,PP2

GeneDx
Classification: Pathogenic. Last evaluated: 2025-10-29. Review status: criteria provided, single submitter. Criteria: GeneDx Variant Classification Process June 2021. Collection method: clinical testing. Allele origin: germline. Affected: yes.
Comment: In silico analysis supports that this missense variant has a deleterious effect on protein structure/function; Not observed at significant frequency in large population cohorts (gnomAD); This variant is associated with the following publications: (PMID: 33057194, 35982159, 31785789, 26100331, 25609763, 25512093, 31278258)

3billion
Classification: Pathogenic for DYNC1H1-related disorder. Last evaluated: 2025-09-02. Review status: criteria provided, single submitter. Criteria: ACMG Guidelines, 2015. Collection method: clinical testing. Allele origin: germline. Affected: yes.
Comment: The variant is not observed in the gnomAD v4.1.0 dataset. Predicted Consequence/Location: Missense variant. Missense changes are a common disease-causing mechanism. In silico tool predictions suggest damaging effect of the variant on gene or gene product [REVEL: 0.83 (>=0.6, sensitivity 0.68 and specificity 0.92)]. The same nucleotide change resulting in the same amino acid change has been previously reported as pathogenic/likely pathogenic with strong evidence (ClinVar ID: VCV001193236 /PMID: 31278258). A different missense change at the same codon (p.Arg3525Cys) has been reported as pathogenic/likely pathogenic with strong evidence (ClinVar ID: VCV000224130). Therefore, this variant is classified as Pathogenic according to the recommendation of ACMG/AMP guideline.

Labcorp Genetics (formerly Invitae), Labcorp
Classification: Likely pathogenic for Charcot-Marie-Tooth disease axonal type 2O. Last evaluated: 2020-12-07. Review status: criteria provided, single submitter. Criteria: Invitae Variant Classification Sherloc (09022015). Collection method: clinical testing. Allele origin: germline.
Comment: This sequence change replaces arginine with histidine at codon 3525 of the DYNC1H1 protein (p.Arg3525His). The arginine residue is highly conserved and there is a small physicochemical difference between arginine and histidine. This variant is not present in population databases (ExAC no frequency). This variant has been observed in individual(s) with clinical features of DYNC1H1-related conditions (PMID: 31278258). Advanced modeling of protein sequence and biophysical properties (such as structural, functional, and spatial information, amino acid conservation, physicochemical variation, residue mobility, and thermodynamic stability) performed at Invitae indicates that this missense variant is expected to disrupt DYNC1H1 protein function. This variant disrupts the p.Arg3525 amino acid residue in DYNC1H1. Other variant(s) that disrupt this residue have been determined to be pathogenic (PMID: 28554332). This suggests that this residue is clinically significant, and that variants that disrupt this residue are likely to be disease-causing. In summary, the currently available evidence indicates that the variant is pathogenic, but additional data are needed to prove that conclusively. Therefore, this variant has been classified as Likely Pathogenic.

Literature cited by the submitters: PubMed 31278258 (cited by 3billion and Labcorp Genetics (formerly Invitae), Labcorp); PubMed 28554332 (cited by Labcorp Genetics (formerly Invitae), Labcorp).

NM_001376.5(DYNC1H1):c.10574G>A (p.Arg3525His)

Gene: DYNC1H1 (dynein cytoplasmic 1 heavy chain 1; plus strand). Cytogenetic location: 14q32.31.
Variant type: single nucleotide variant.
Coding change: c.10574G>A on transcript NM_001376.5 (MANE Select); coding-DNA position 10574, G replaced by A.
Protein change: p.Arg3525His; replaces arginine 3525 with histidine.
Molecular consequence: missense variant.
Genome position (GRCh38, 1-based): chr14:102,034,136, G>A. VCF-style: chr14-102034136-G-A. GRCh37 (hg19) VCF-style: chr14-102500473-G-A.
Other names: short protein forms R3525H.
Identifiers: ClinVar variation 1193236 (VCV001193236.15), dbSNP rs2152592202, ClinGen allele CA391027404.
Genomic context (GRCh38, chr14:102,034,136, plus strand): 5'-GGGACTGTCTCTTGTCAGCTGCGTTCATTGCCTACGCGGGTTACTTTGACCAGCAGATGC[G>A]TCAGAACTTGTTCACTACCTGGTCCCATCACCTACAGCAAGCCAACATCCAGGTGAGAAT-3'
Protein context (NP_001367.2, residues 3515-3535): AYAGYFDQQM[Arg3525His]QNLFTTWSHH